The following is an entry in ClinVar:

ClinVar aggregate classification (germline): Uncertain significance (1 of 4 stars; one submission).

Conditions:
Developmental and epileptic encephalopathy, 42 (DEE42A). Also called: DEVELOPMENTAL AND EPILEPTIC ENCEPHALOPATHY 42A; EPILEPTIC ENCEPHALOPATHY, EARLY INFANTILE, 42A; Epileptic encephalopathy, early infantile, 42. Identifiers: MedGen C4310716, MONDO:0014917, OMIM 617106.
Episodic ataxia type 2 (EA2). Also called: ATAXIA, EPISODIC, WITH NYSTAGMUS; ATAXIA, FAMILIAL PAROXYSMAL; CEREBELLAR ATAXIA, PAROXYSMAL, ACETAZOLAMIDE-RESPONSIVE; CEREBELLOPATHY, HEREDITARY PAROXYSMAL; EPISODIC ATAXIA, NYSTAGMUS-ASSOCIATED; ACETAZOLAMIDE-RESPONSIVE HEREDITARY PAROXYSMAL CEREBELLAR ATAXIA. Identifiers: Orphanet 97, MedGen C1720416, MONDO:0007163, OMIM 108500.

gnomAD v4.1: 1 of 1,587,704 alleles (0.000063%); highest among the groups gnomAD compares: Admixed American, 0.0017%; no homozygotes.

Submission:

Labcorp Genetics (formerly Invitae), Labcorp
Classification: Uncertain significance for Developmental and epileptic encephalopathy, 42; Episodic ataxia type 2. Last evaluated: 2024-02-24. Review status: criteria provided, single submitter. Criteria: Invitae Variant Classification Sherloc (09022015). Collection method: clinical testing. Allele origin: germline.
Comment: This sequence change replaces leucine, which is neutral and non-polar, with glutamine, which is neutral and polar, at codon 892 of the CACNA1A protein (p.Leu892Gln). This variant is not present in population databases (gnomAD no frequency). This variant has not been reported in the literature in individuals affected with CACNA1A-related conditions. ClinVar contains an entry for this variant (Variation ID: 1469465). Advanced modeling of protein sequence and biophysical properties (such as structural, functional, and spatial information, amino acid conservation, physicochemical variation, residue mobility, and thermodynamic stability) performed at Invitae indicates that this missense variant is not expected to disrupt CACNA1A protein function with a negative predictive value of 95%. In summary, the available evidence is currently insufficient to determine the role of this variant in disease. Therefore, it has been classified as a Variant of Uncertain Significance.

NM_001127222.2(CACNA1A):c.2672T>A (p.Leu891Gln)

Gene: CACNA1A (calcium voltage-gated channel subunit alpha1 A; minus strand). Cytogenetic location: 19p13.13.
Variant type: single nucleotide variant.
Coding change: c.2672T>A on transcript NM_001127222.2 (MANE Select); coding-DNA position 2672, T replaced by A.
Protein change: p.Leu891Gln; replaces leucine 891 with glutamine.
Molecular consequence: missense variant.
Genome position (GRCh38, 1-based): chr19:13,298,961, A>T on the plus strand (T>A on the coding strand, the complement: CACNA1A is on the minus strand). VCF-style: chr19-13298961-A-T. GRCh37 (hg19) VCF-style: chr19-13409775-A-T.
Other names: c.2684T>A, p.Leu895Gln (NM_000068.4, NM_023035.3); c.2675T>A, p.Leu892Gln (NM_001127221.2, NM_001174080.2); short protein forms L892Q, L891Q, L895Q.
Identifiers: ClinVar variation 1469465 (VCV001469465.8), dbSNP rs1171365113, ClinGen allele CA404342953.